The following is an entry in ClinVar:

NM_001164508.2(NEB):c.18530G>A (p.Arg6177His)

Gene: NEB (nebulin; minus strand). Cytogenetic location: 2q23.3.
Variant type: single nucleotide variant.
Coding change: c.18530G>A on transcript NM_001164508.2 (MANE Select); coding-DNA position 18530, G replaced by A.
Protein change: p.Arg6177His; replaces arginine 6177 with histidine.
Molecular consequence: missense variant.
Genome position (GRCh38, 1-based): chr2:151,563,872, C>T on the plus strand (G>A on the coding strand, the complement: NEB is on the minus strand). VCF-style: chr2-151563872-C-T. GRCh37 (hg19) VCF-style: chr2-152420386-C-T.
Other names: c.18530G>A, p.Arg6177His (NM_001164507.2, NM_001271208.2); c.13427G>A, p.Arg4476His (NM_004543.5); short protein forms R4476H, R6177H.
Identifiers: ClinVar variation 167330 (VCV000167330.25), dbSNP rs147159176, ClinGen allele CA234326.

ClinVar aggregate classification (germline): Conflicting classifications of pathogenicity. Review status: criteria provided, conflicting classifications (1 of 4 stars). 5 submissions from 5 submitters: Uncertain significance (1); Benign (1); Likely benign (1). 2 of the submissions do not count toward it. Last evaluated 2026-01-26.

Conditions:
NEB-related disorder. Also called: NEB-related condition; NEB-Related Disorders.
Nemaline myopathy 2 (NEM2). Also called: Nemaline myopathy 2, autosomal recessive. Identifiers: MedGen C1850569, MONDO:0009725, OMIM 256030.

Allele frequency attached by ClinVar (database versions not stated): gnomAD 0.00034 and 0.00059; gnomAD exomes 0.00048 and 0.00113; TOPMed 0.00075; ExAC 0.00129; 1000 Genomes Project 30x 0.00250; 1000 Genomes Project 0.00319.
gnomAD v4.1: 779 of 1,612,856 alleles (0.048%); highest among the groups gnomAD compares: East Asian, 1.5%; 9 homozygotes.

Submissions (5):

Labcorp Genetics (formerly Invitae), Labcorp
Classification: Benign for Nemaline myopathy 2. Last evaluated: 2026-01-26. Review status: criteria provided, single submitter. Criteria: Invitae Variant Classification Sherloc (09022015). Collection method: clinical testing. Allele origin: germline.

Illumina Laboratory Services, Illumina
Classification: Likely benign for Nemaline myopathy 2. Last evaluated: 2018-01-13. Review status: criteria provided, single submitter. Criteria: ICSL Variant Classification Criteria 13 December 2019. Collection method: clinical testing. Allele origin: germline.
Comment: This variant was observed in the ICSL laboratory as part of a predisposition screen in an ostensibly healthy population. It had not been previously curated by ICSL or reported in the Human Gene Mutation Database (HGMD: prior to June 1st, 2018), and was therefore a candidate for classification through an automated scoring system. Utilizing variant allele frequency, disease prevalence and penetrance estimates, and inheritance mode, an automated score was calculated to assess if this variant is too frequent to cause the disease. Based on the score and internal cut-off values, a variant classified as likely benign is not then subjected to further curation. The score for this variant resulted in a classification of likely benign for this disease.

Eurofins Ntd Llc (ga)
Classification: Uncertain significance. Last evaluated: 2013-12-04. Review status: criteria provided, single submitter. Criteria: EGL Classification Definitions 2015. Collection method: clinical testing. Allele origin: germline. Observed: 3 variant alleles, 3 heterozygotes.

Natera, Inc.
Classification: Benign for Nemaline myopathy type 2. Last evaluated: 2020-09-16. Review status: no assertion criteria provided. Collection method: clinical testing. Allele origin: germline. Not counted in ClinVar's aggregate classification.

PreventionGenetics, part of Exact Sciences
Classification: Benign for NEB-related condition. Last evaluated: 2019-07-02. Review status: no assertion criteria provided. Collection method: clinical testing. Allele origin: germline. Not counted in ClinVar's aggregate classification.
Comment: This variant is classified as benign based on ACMG/AMP sequence variant interpretation guidelines (Richards et al. 2015 PMID: 25741868, with internal and published modifications).